The following is an entry in ClinVar:

ClinVar aggregate classification (germline): Uncertain significance (1 of 4 stars; one submission).

Submission:

Ambry Genetics
Classification: Uncertain significance. Last evaluated: 2022-01-21. Review status: criteria provided, single submitter. Criteria: Ambry Variant Classification Scheme 2023. Collection method: clinical testing. Allele origin: germline.
Comment: The p.K175T variant (also known as c.524A>C), located in coding exon 6 of the BUB1 gene, results from an A to C substitution at nucleotide position 524. The lysine at codon 175 is replaced by threonine, an amino acid with similar properties. This amino acid position is conserved. In addition, this alteration is predicted to be tolerated by in silico analysis. Since supporting evidence is limited at this time, the clinical significance of this alteration remains unclear.

NM_004336.5(BUB1):c.524A>C (p.Lys175Thr)

Gene: BUB1 (BUB1 mitotic checkpoint serine/threonine kinase; minus strand). Cytogenetic location: 2q13.
Variant type: single nucleotide variant.
Coding change: c.524A>C on transcript NM_004336.5 (MANE Select); coding-DNA position 524, A replaced by C.
Protein change: p.Lys175Thr; replaces lysine 175 with threonine.
Molecular consequence: missense variant.
Genome position (GRCh38, 1-based): chr2:110,669,496, T>G on the plus strand (A>C on the coding strand, the complement: BUB1 is on the minus strand). VCF-style: chr2-110669496-T-G. GRCh37 (hg19) VCF-style: chr2-111427073-T-G.
Other names: c.464A>C, p.Lys155Thr (NM_001278616.2); c.524A>C, p.Lys175Thr (NM_001278617.2); short protein forms K175T, K155T.
Identifiers: ClinVar variation 1746331 (VCV001746331.2), dbSNP rs2468030909, ClinGen allele CA348219174.